The following is an entry in ClinVar:

ClinVar aggregate classification (germline): Uncertain significance (1 of 4 stars; one submission).

Conditions:
Jeune thoracic dystrophy. Also called: Short-rib thoracic dysplasia; Jeune syndrome; Infantile thoracic dystrophy; Thoracic pelvic phalangeal dystrophy; Jeune's syndrome; Chondroectodermal dysplasia-like syndrome. Identifiers: Orphanet 474, MedGen C0265275, MONDO:0018770.

gnomAD v4.1: 6 of 1,602,740 alleles (0.00037%); highest among the groups gnomAD compares: Non-Finnish European, 0.00043%; no homozygotes.

Submission:

Labcorp Genetics (formerly Invitae), Labcorp
Classification: Uncertain significance for Jeune thoracic dystrophy. Last evaluated: 2022-02-20. Review status: criteria provided, single submitter. Criteria: Invitae Variant Classification Sherloc (09022015). Collection method: clinical testing. Allele origin: germline.
Comment: This sequence change replaces valine, which is neutral and non-polar, with isoleucine, which is neutral and non-polar, at codon 646 of the IFT80 protein (p.Val646Ile). This variant is present in population databases (rs752617502, gnomAD 0.0009%). This variant has not been reported in the literature in individuals affected with IFT80-related conditions. Algorithms developed to predict the effect of missense changes on protein structure and function (SIFT, PolyPhen-2, Align-GVGD) all suggest that this variant is likely to be disruptive. In summary, the available evidence is currently insufficient to determine the role of this variant in disease. Therefore, it has been classified as a Variant of Uncertain Significance.

NM_020800.3(IFT80):c.1936G>A (p.Val646Ile)

Genes: IFT80 (intraflagellar transport 80; minus strand), TRIM59-IFT80 (TRIM59-IFT80 readthrough (NMD candidate); minus strand). Cytogenetic location: 3q25.33.
Variant type: single nucleotide variant.
Coding change: c.1936G>A on transcript NM_020800.3 (MANE Select); coding-DNA position 1936, G replaced by A.
Protein change: p.Val646Ile; replaces valine 646 with isoleucine.
Molecular consequence: missense variant. On other transcripts: non-coding transcript variant (3).
Genome position (GRCh38, 1-based): chr3:160,277,469, C>T on the plus strand (G>A on the coding strand, the complement: IFT80 is on the minus strand). VCF-style: chr3-160277469-C-T. GRCh37 (hg19) VCF-style: chr3-159995257-C-T.
Other names: c.1525G>A, p.Val509Ile (NM_001190241.2, NM_001190242.2); short protein forms V646I, V509I.
Identifiers: ClinVar variation 1958108 (VCV001958108.2), dbSNP rs752617502, ClinGen allele CA2685006.